The following is an entry in ClinVar:

NM_000128.4(F11):c.117_118insT (p.Thr40fs)

Gene: F11 (coagulation factor XI; plus strand). Cytogenetic location: 4q35.2.
Variant type: Insertion.
Coding change: c.117_118insT on transcript NM_000128.4 (MANE Select); coding-DNA positions 117 to 118, T inserted.
Protein change: p.Thr40fs; shifts the reading frame from threonine 40.
Molecular consequence: frameshift variant.
Genome position: GRCh38 VCF-style: chr4-186271670-C-CT. GRCh37 (hg19) VCF-style: chr4-187192824-C-CT.
Other names: c.117_118insT, p.Thr40fs (NM_001354804.2, NM_001440590.1, NM_001440593.1 and 5 more transcripts); short protein forms T40fs.
Identifiers: ClinVar variation 5013554 (VCV005013554.1).

ClinVar aggregate classification (germline): Pathogenic (1 of 4 stars; one submission).

Conditions:
Hereditary factor XI deficiency disease. Also called: PLASMA THROMBOPLASTIN ANTECEDENT DEFICIENCY; PTA DEFICIENCY; ROSENTHAL SYNDROME; Congenital factor XI deficiency. Identifiers: Orphanet 329, MedGen C0015523, MeSH D005173, MONDO:0012897, OMIM 612416.

Submission:

Myriad Genetics, Inc.
Classification: Pathogenic for Hereditary factor XI deficiency disease. Last evaluated: 2024-09-17. Review status: criteria provided, single submitter. Criteria: Myriad Autosomal Dominant, Autosomal Recessive and X-Linked Classification Criteria (2023). Collection method: clinical testing. Allele origin: unknown.
Comment: NM_000128.3(F11):c.117_118insT(T40Yfs*29) is expected to be pathogenic in the context of factor XI deficiency. This variant is predicted to lead to an abnormal or absent protein product due to the creation of a premature termination codon in F11, a gene where loss-of-function variants are known to be pathogenic. Please note: this variant was assessed in the context of healthy population screening.